The following is an entry in ClinVar:

ClinVar aggregate classification (germline): Uncertain significance (1 of 4 stars; one submission).

Conditions:
Landau-Kleffner syndrome (FESD). Also called: APHASIA, ACQUIRED, WITH EPILEPSY; EPILEPSY, FOCAL, WITH SPEECH DISORDER AND WITH OR WITHOUT MENTAL RETARDATION. Identifiers: Orphanet 1945, Orphanet 725, Orphanet 98818, MedGen C0282512, MONDO:0009509, OMIM 245570.

Submission:

Labcorp Genetics (formerly Invitae), Labcorp
Classification: Uncertain significance for Landau-Kleffner syndrome. Last evaluated: 2022-07-12. Review status: criteria provided, single submitter. Criteria: Invitae Variant Classification Sherloc (09022015). Collection method: clinical testing. Allele origin: germline.
Comment: This sequence change replaces aspartic acid, which is acidic and polar, with valine, which is neutral and non-polar, at codon 726 of the GRIN2A protein (p.Asp726Val). This variant is not present in population databases (gnomAD no frequency). This variant has not been reported in the literature in individuals affected with GRIN2A-related conditions. ClinVar contains an entry for this variant (Variation ID: 1346222). Advanced modeling of protein sequence and biophysical properties (such as structural, functional, and spatial information, amino acid conservation, physicochemical variation, residue mobility, and thermodynamic stability) performed at Invitae indicates that this missense variant is expected to disrupt GRIN2A protein function. In summary, the available evidence is currently insufficient to determine the role of this variant in disease. Therefore, it has been classified as a Variant of Uncertain Significance.

NM_001134407.3(GRIN2A):c.2177A>T (p.Asp726Val)

Gene: GRIN2A (glutamate ionotropic receptor NMDA type subunit 2A; minus strand). Cytogenetic location: 16p13.2.
Variant type: single nucleotide variant.
Coding change: c.2177A>T on transcript NM_001134407.3 (MANE Select); coding-DNA position 2177, A replaced by T.
Protein change: p.Asp726Val; replaces aspartic acid 726 with valine.
Molecular consequence: missense variant.
Genome position (GRCh38, 1-based): chr16:9,798,456, T>A on the plus strand (A>T on the coding strand, the complement: GRIN2A is on the minus strand). VCF-style: chr16-9798456-T-A. GRCh37 (hg19) VCF-style: chr16-9892313-T-A.
Other names: c.2177A>T, p.Asp726Val (NM_000833.5, NM_001134408.2); short protein forms D726V.
Identifiers: ClinVar variation 1346222 (VCV001346222.6), dbSNP rs2141231223, ClinGen allele CA394797331.